The following is an entry in ClinVar:

NM_177438.3(DICER1):c.278G>A (p.Gly93Glu)

Gene: DICER1 (dicer 1, ribonuclease III; minus strand). Cytogenetic location: 14q32.13.
Variant type: single nucleotide variant.
Coding change: c.278G>A on transcript NM_177438.3 (MANE Select); coding-DNA position 278, G replaced by A.
Protein change: p.Gly93Glu; replaces glycine 93 with glutamic acid.
Molecular consequence: missense variant.
Genome position (GRCh38, 1-based): chr14:95,132,544, C>T on the plus strand (G>A on the coding strand, the complement: DICER1 is on the minus strand). VCF-style: chr14-95132544-C-T. GRCh37 (hg19) VCF-style: chr14-95598881-C-T.
Other names: c.278G>A, p.Gly93Glu (NM_001195573.1, NM_001271282.3, NM_001291628.2 and 1 more transcripts); short protein forms G93E.
Identifiers: ClinVar variation 412074 (VCV000412074.22), dbSNP rs776219930, ClinGen allele CA7331702.

ClinVar aggregate classification (germline): Conflicting classifications of pathogenicity. Review status: criteria provided, conflicting classifications (1 of 4 stars). 5 submissions from 5 submitters: Uncertain significance (4); Likely benign (1). Last evaluated 2025-12-29.

Conditions:
Hereditary cancer-predisposing syndrome. Also called: Hereditary neoplastic syndrome; Tumor predisposition; Hereditary Cancer Syndrome; Neoplastic Syndromes, Hereditary. Identifiers: Orphanet 140162, MedGen C0027672, MeSH D009386, MONDO:0015356.
DICER1-related tumor predisposition. Also called: DICER1 syndrome; DICER1-related pleuropulmonary blastoma cancer predisposition syndrome. Identifiers: Orphanet 284343, MedGen C3839822, MONDO:0100216.
Global developmental delay - lung cysts - overgrowth - Wilms tumor syndrome. Also called: GLOBAL DEVELOPMENTAL DELAY, LUNG CYSTS, OVERGROWTH, AND WILMS TUMOR; GLOW Syndrome. Identifiers: Orphanet 404476, MedGen C4748924, MONDO:0018445, OMIM 618272.

Allele frequency attached by ClinVar (database versions not stated): TOPMed below 0.00001; gnomAD exomes 0.00004 and 0.00002; ExAC 0.00003; gnomAD 0.00002.
gnomAD v4.1: 29 of 1,613,830 alleles (0.0018%); highest among the groups gnomAD compares: Middle Eastern, 0.016%; no homozygotes.

Submissions (5):

Center for Genomic Medicine, Rigshospitalet, Copenhagen University Hospital
Classification: Uncertain significance. Last evaluated: 2025-12-29. Review status: criteria provided, single submitter. Criteria: ACMG Guidelines, 2015. Collection method: clinical testing. Allele origin: germline.
Comment: Classification criteria: BP4

Labcorp Genetics (formerly Invitae), Labcorp
Classification: Likely benign for DICER1-related tumor predisposition. Last evaluated: 2025-12-24. Review status: criteria provided, single submitter. Criteria: Invitae Variant Classification Sherloc (09022015). Collection method: clinical testing. Allele origin: germline.

Ambry Genetics
Classification: Uncertain significance for Hereditary cancer-predisposing syndrome. Last evaluated: 2025-07-19. Review status: criteria provided, single submitter. Criteria: Ambry Variant Classification Scheme 2023. Collection method: clinical testing. Allele origin: germline.
Comment: The p.G93E variant (also known as c.278G>A), located in coding exon 2 of the DICER1 gene, results from a G to A substitution at nucleotide position 278. The glycine at codon 93 is replaced by glutamic acid, an amino acid with similar properties. This amino acid position is not well conserved in available vertebrate species. In addition, the in silico prediction for this alteration is inconclusive. Since supporting evidence is limited at this time, the clinical significance of this alteration remains unclear.

GeneDx
Classification: Uncertain significance. Last evaluated: 2024-02-07. Review status: criteria provided, single submitter. Criteria: GeneDx Variant Classification Process June 2021. Collection method: clinical testing. Allele origin: germline.
Comment: Observed in one patient with transposition of the great arteries (PMID: 29399970); In silico analysis supports that this missense variant has a deleterious effect on protein structure/function; This variant is associated with the following publications: (PMID: 29399970)

Baylor Genetics
Classification: Uncertain significance for Global developmental delay - lung cysts - overgrowth - Wilms tumor syndrome. Last evaluated: 2023-10-22. Review status: criteria provided, single submitter. Criteria: ACMG Guidelines, 2015. Collection method: clinical testing. Allele origin: unknown.

Literature cited by the submitters: PubMed 29399970 (cited by Ambry Genetics).